The following is an entry in ClinVar:

NM_001009944.3(PKD1):c.11730C>A (p.Phe3910Leu)

Gene: PKD1 (polycystin 1, transient receptor potential channel interacting; minus strand). Cytogenetic location: 16p13.3.
Variant type: single nucleotide variant.
Coding change: c.11730C>A on transcript NM_001009944.3 (MANE Select); coding-DNA position 11730, C replaced by A.
Protein change: p.Phe3910Leu; replaces phenylalanine 3910 with leucine.
Molecular consequence: missense variant.
Genome position (GRCh38, 1-based): chr16:2,091,157, G>T on the plus strand (C>A on the coding strand, the complement: PKD1 is on the minus strand). VCF-style: chr16-2091157-G-T. GRCh37 (hg19) VCF-style: chr16-2141158-G-T.
Other names: c.11727C>A, p.Phe3909Leu (NM_000296.4); short protein forms F3909L, F3910L.
Identifiers: ClinVar variation 3343275 (VCV003343275.1).

ClinVar aggregate classification (germline): Uncertain significance (1 of 4 stars; one submission).

gnomAD v4.1: 6 of 1,457,824 alleles (0.00041%); highest among the groups gnomAD compares: Non-Finnish European, 0.00054%; no homozygotes.

Submission:

GeneDx
Classification: Uncertain significance. Last evaluated: 2023-05-08. Review status: criteria provided, single submitter. Criteria: GeneDx Variant Classification Process June 2021. Collection method: clinical testing. Allele origin: germline. Affected: yes.
Comment: Not observed at significant frequency in large population cohorts (gnomAD); In silico analysis supports that this missense variant does not alter protein structure/function; Has not been previously published as pathogenic or benign to our knowledge